The following is an entry in ClinVar:

NM_001370785.2(LRRC7):c.1579del (p.Gln527fs)

Gene: LRRC7 (leucine rich repeat containing 7; plus strand). Cytogenetic location: 1p31.1.
Variant type: Deletion.
Coding change: c.1579del on transcript NM_001370785.2 (MANE Select); coding-DNA position 1579, one base deleted (C; older notation c.1579delC).
Protein change: p.Gln527fs; shifts the reading frame from glutamine 527.
Molecular consequence: frameshift variant.
Genome position (GRCh38, 1-based): chr1:70,023,159, C deleted; the last of 2 consecutive C bases (chr1:70,023,158-70,023,159); deleting either gives the same sequence. VCF-style (leftmost placement, unchanged base first): chr1-70023157-GC-G. GRCh37 (hg19) VCF-style: chr1-70488840-GC-G.
Other names: NM_020794.2:c.1465del; c.1480del, p.Gln494fs (NM_001330635.3, NM_001366839.3, NM_001366841.1); c.1582del, p.Gln528fs (NM_001350216.3); c.1579del, p.Gln527fs (NM_001366838.3); short protein forms Q494fs, Q527fs, Q528fs.
Identifiers: ClinVar variation 3369726 (VCV003369726.1).
Genomic context (GRCh38, chr1:70,023,157, plus strand): 5'-CCAGAAAATGGAGATTCCTTCTCCCACAGGATCTCTCCTGCCAAGCCCCCTGGGAAAGGG[GC>G]CAGCGTGGGATTACTCTCCAACCTGCCAGACTGTCTGGCGATTGCTGCACACCATGGGCC-3'

ClinVar aggregate classification (germline): Uncertain significance (1 of 4 stars; one submission).

Submission:

GeneDx
Classification: Uncertain significance. Last evaluated: 2024-04-21. Review status: criteria provided, single submitter. Criteria: GeneDx Variant Classification Process June 2021. Collection method: clinical testing. Allele origin: germline. Affected: yes.
Comment: Frameshift variant predicted to result in protein truncation or nonsense mediated decay in a gene or region of a gene for which loss of function is not a well-established mechanism of disease; Not observed at significant frequency in large population cohorts (gnomAD); Has not been previously published as pathogenic or benign to our knowledge; Variants in candidate genes are classified as variants of uncertain significance in accordance with ACMG guidelines (PMID: 25741868)